The following is an entry in ClinVar:

NM_000535.7(PMS2):c.1171G>A (p.Asp391Asn)

Gene: PMS2 (PMS1 homolog 2, mismatch repair system component; minus strand). Cytogenetic location: 7p22.1.
Variant type: single nucleotide variant.
Coding change: c.1171G>A on transcript NM_000535.7 (MANE Select); coding-DNA position 1171, G replaced by A.
Protein change: p.Asp391Asn; replaces aspartic acid 391 with asparagine.
Molecular consequence: missense variant. On other transcripts: non-coding transcript variant (1).
Genome position (GRCh38, 1-based): chr7:5,987,594, C>T on the plus strand (G>A on the coding strand, the complement: PMS2 is on the minus strand). VCF-style: chr7-5987594-C-T. GRCh37 (hg19) VCF-style: chr7-6027225-C-T.
Other names: c.766G>A, p.Asp256Asn (NM_001018040.1, NM_001322003.2, NM_001322004.2 and 17 more transcripts); c.1015G>A, p.Asp339Asn (NM_001322006.2, NM_001406870.1); c.853G>A, p.Asp285Asn (NM_001322007.2, NM_001322008.2, NM_001406876.1 and 2 more transcripts); c.610G>A, p.Asp204Asn (NM_001322010.2, NM_001406906.1, NM_001406907.1); c.238G>A, p.Asp80Asn (NM_001322011.2, NM_001322012.2); c.598G>A, p.Asp200Asn (NM_001322013.2, NM_001406909.1); c.1171G>A, p.Asp391Asn (NM_001322014.2, NM_001406871.1, NM_001406872.1); c.862G>A, p.Asp288Asn (NM_001322015.2, NM_001406875.1, NM_001406877.1 and 5 more transcripts); and 12 more; short protein forms D220N, D325N, D339N, D453N, D80N, D236N, D283N, D204N.
Identifiers: ClinVar variation 1739744 (VCV001739744.3), dbSNP rs1064795020, ClinGen allele CA366742647.

ClinVar aggregate classification (germline): Uncertain significance (1 of 4 stars; one submission).

Conditions:
Hereditary cancer-predisposing syndrome. Also called: Hereditary Cancer Syndrome; Hereditary neoplastic syndrome; Neoplastic Syndromes, Hereditary; Tumor predisposition. Identifiers: Orphanet 140162, MedGen C0027672, MeSH D009386, MONDO:0015356.

Submission:

Ambry Genetics
Classification: Uncertain significance for Hereditary cancer-predisposing syndrome. Last evaluated: 2025-05-23. Review status: criteria provided, single submitter. Criteria: Ambry Variant Classification Scheme 2023. Collection method: clinical testing. Allele origin: germline.
Comment: The p.D391N variant (also known as c.1171G>A), located in coding exon 11 of the PMS2 gene, results from a G to A substitution at nucleotide position 1171. The aspartic acid at codon 391 is replaced by asparagine, an amino acid with highly similar properties. This amino acid position is poorly conserved in available vertebrate species. In addition, this alteration is predicted to be tolerated by in silico analysis. Since supporting evidence is limited at this time, the clinical significance of this alteration remains unclear.